The following is an entry in ClinVar:

ClinVar aggregate classification (germline): Uncertain significance (1 of 4 stars; one submission).

Conditions:
Left ventricular noncompaction 8 (LVNC8). Identifiers: Orphanet 154, Orphanet 54260, MedGen C3809288, MONDO:0014152, OMIM 615373.

Submission:

Labcorp Genetics (formerly Invitae), Labcorp
Classification: Uncertain significance for Left ventricular noncompaction 8. Last evaluated: 2025-08-26. Review status: criteria provided, single submitter. Criteria: Invitae Variant Classification Sherloc (09022015). Collection method: clinical testing. Allele origin: germline.
Comment: This sequence change replaces histidine, which is basic and polar, with leucine, which is neutral and non-polar, at codon 366 of the PRDM16 protein (p.His366Leu). This variant is not present in population databases (gnomAD no frequency). This variant has not been reported in the literature in individuals affected with PRDM16-related conditions. An algorithm developed to predict the effect of missense changes on protein structure and function (PolyPhen-2) suggests that this variant is likely to be disruptive. In summary, the available evidence is currently insufficient to determine the role of this variant in disease. Therefore, it has been classified as a Variant of Uncertain Significance.

NM_022114.4(PRDM16):c.1097A>T (p.His366Leu)

Gene: PRDM16 (PR/SET domain 16; plus strand). Cytogenetic location: 1p36.32.
Variant type: single nucleotide variant.
Coding change: c.1097A>T on transcript NM_022114.4 (MANE Select); coding-DNA position 1097, A replaced by T.
Protein change: p.His366Leu; replaces histidine 366 with leucine.
Molecular consequence: missense variant.
Genome position (GRCh38, 1-based): chr1:3,405,559, A>T. VCF-style: chr1-3405559-A-T. GRCh37 (hg19) VCF-style: chr1-3322123-A-T.
Other names: c.1097A>T, p.His366Leu (NM_199454.3); short protein forms H366L.
Identifiers: ClinVar variation 4725815 (VCV004725815.1).